The following is an entry in ClinVar:

NM_021096.4(CACNA1I):c.1171A>G (p.Asn391Asp)

Gene: CACNA1I (calcium voltage-gated channel subunit alpha1 I; plus strand). Cytogenetic location: 22q13.1.
Variant type: single nucleotide variant.
Coding change: c.1171A>G on transcript NM_021096.4 (MANE Select); coding-DNA position 1171, A replaced by G.
Protein change: p.Asn391Asp; replaces asparagine 391 with aspartic acid.
Molecular consequence: missense variant.
Genome position (GRCh38, 1-based): chr22:39,646,590, A>G. VCF-style: chr22-39646590-A-G. GRCh37 (hg19) VCF-style: chr22-40042595-A-G.
Other names: c.1171A>G, p.Asn391Asp (NM_001003406.2); short protein forms N391D.
Identifiers: ClinVar variation 1309368 (VCV001309368.2), dbSNP rs2146426435, ClinGen allele CA411640648.

ClinVar aggregate classification (germline): Uncertain significance (1 of 4 stars; one submission).

Submission:

GeneDx
Classification: Uncertain significance. Last evaluated: 2019-10-24. Review status: criteria provided, single submitter. Criteria: GeneDx Variant Classification Process June 2021. Collection method: clinical testing. Allele origin: germline. Affected: yes.
Comment: Not observed in large population cohorts (Lek et al., 2016); In silico analysis, which includes protein predictors and evolutionary conservation, supports a deleterious effect; Has not been previously published as pathogenic or benign to our knowledge; Variants in candidate genes are classified as variants of uncertain significance in accordance with ACMG guidelines (Richards et al., 2015)